The following is an entry in ClinVar:

ClinVar aggregate classification (germline): Likely pathogenic. Review status: criteria provided, single submitter (1 of 4 stars). 2 submissions from 2 submitters: Likely pathogenic (1). 1 of the submissions does not count toward it. Last evaluated 2022-09-29.

Conditions:
NOG-related disorder. Also called: NOG-related condition; NOG-related disorders.

Submissions (2):

Blueprint Genetics
Classification: Likely pathogenic for NOG-related disorders. Last evaluated: 2022-09-29. Review status: criteria provided, single submitter. Criteria: ACMG Guidelines, 2015. Collection method: clinical testing. Allele origin: germline. Affected: yes. Observed: 1 variant allele.

PreventionGenetics, part of Exact Sciences
Classification: Likely pathogenic for NOG-related condition. Last evaluated: 2024-02-15. Review status: no assertion criteria provided. Collection method: clinical testing. Allele origin: germline. Not counted in ClinVar's aggregate classification.
Comment: The NOG c.499C>T variant is predicted to result in the amino acid substitution p.Arg167Cys. This variant has been reported to segregate with disease in a family of individuals presenting with proximal symphalangism (Liu et al 2014. PubMed ID: 24326127). This variant has not been reported in a large population database, indicating this variant is rare. This variant is interpreted as likely pathogenic.

NM_005450.6(NOG):c.499C>T (p.Arg167Cys)

Gene: NOG (noggin; plus strand). Cytogenetic location: 17q22.
Variant type: single nucleotide variant.
Coding change: c.499C>T on transcript NM_005450.6 (MANE Select); coding-DNA position 499, C replaced by T.
Protein change: p.Arg167Cys; replaces arginine 167 with cysteine.
Molecular consequence: missense variant.
Genome position (GRCh38, 1-based): chr17:56,594,722, C>T. VCF-style: chr17-56594722-C-T. GRCh37 (hg19) VCF-style: chr17-54672083-C-T.
Other names: short protein forms R167C.
Identifiers: ClinVar variation 3061127 (VCV003061127.3), dbSNP rs121908949, ClinGen allele CA399966407.
Genomic context (GRCh38, chr17:56,594,722, plus strand): 5'-ATGTGGCTGTGGTCGCAGACATTCTGCCCCGTGCTGTACGCGTGGAACGACCTGGGCAGC[C>T]GCTTTTGGCCGCGCTACGTGAAGGTGGGCAGCTGCTTCAGTAAGCGCTCGTGCTCCGTGC-3'
Protein context (NP_005441.1, residues 157-177): VLYAWNDLGS[Arg167Cys]FWPRYVKVGS